The following is an entry in ClinVar:

ClinVar aggregate classification (germline): Uncertain significance (1 of 4 stars; one submission).

Submission:

GeneDx
Classification: Uncertain significance. Last evaluated: 2022-10-24. Review status: criteria provided, single submitter. Criteria: GeneDx Variant Classification Process June 2021. Collection method: clinical testing. Allele origin: germline. Affected: yes.
Comment: In-frame deletion of one amino acid in a non-repeat region; In silico analysis supports a deleterious effect on protein structure/function; Has not been previously published as pathogenic or benign to our knowledge

NM_012203.2(GRHPR):c.688TTC[1] (p.Phe231del)

Gene: GRHPR (glyoxylate and hydroxypyruvate reductase; plus strand). Cytogenetic location: 9p13.2.
Variant type: Microsatellite.
Coding change: c.688TTC[1] on transcript NM_012203.2 (MANE Select); one copy of the 3-base unit TTC starting at c.688; the reference has two copies in a row; one copy, 3 bases deleted.
Protein change: p.Phe231del; deletes phenylalanine 231.
Molecular consequence: inframe deletion.
Genome position (GRCh38, 1-based): chr9:37,430,603-37,430,605, TTC deleted; deleting any 3 consecutive bases within chr9:37,430,599-37,430,605 gives the same sequence; the position shown is the placement nearest the transcript's 3' end. VCF-style (leftmost placement, unchanged base first): chr9-37430598-ACTT-A. GRCh37 (hg19) VCF-style: chr9-37430595-ACTT-A.
Other names: short protein forms F231del.
Identifiers: ClinVar variation 2500383 (VCV002500383.1), dbSNP rs754788389, ClinGen allele CA5059176.